The following is an entry in ClinVar:

NM_000548.5(TSC2):c.4849+5G>T

Gene: TSC2 (TSC complex subunit 2; plus strand). Cytogenetic location: 16p13.3.
Variant type: single nucleotide variant.
Coding change: c.4849+5G>T on transcript NM_000548.5 (MANE Select); 5 bases into the intron after coding-DNA position 4849, G replaced by T.
Molecular consequence: intron variant.
Genome position (GRCh38, 1-based): chr16:2,086,384, G>T. VCF-style: chr16-2086384-G-T. GRCh37 (hg19) VCF-style: chr16-2136385-G-T.
Other names: c.3307+5G>T (NM_001406693.1, NM_001406692.1, NM_001406694.1); c.4741+5G>T (NM_001406667.1); c.4738+5G>T (NM_001406668.1); c.4249+5G>T (NM_001406680.1); c.4180+5G>T (NM_001406683.1, NM_001406682.1); c.4048+5G>T (NM_001406687.1, NM_001406688.1); c.3436+5G>T (NM_001406689.1); c.3376+5G>T (NM_001406690.1); and 26 more.
Identifiers: ClinVar variation 4724770 (VCV004724770.1).
Genomic context (GRCh38, chr16:2,086,384, plus strand): 5'-CGTGTGTGGTGAGGACGGCCAGTTCACCTACTGCTGGCACGATGACATCATGCAAGGTAC[G>T]GCCTGGCGCCTACCCGCTCCTGCTGCCCCAGGCCTCAGGGCACGGCTCCCATCCAGTCCT-3'

ClinVar aggregate classification (germline): Uncertain significance (1 of 4 stars; one submission).

Conditions:
Tuberous sclerosis 2 (TSC2). Identifiers: Orphanet 805, MedGen C1860707, MONDO:0013199, OMIM 613254.

Submission:

Labcorp Genetics (formerly Invitae), Labcorp
Classification: Uncertain significance for Tuberous sclerosis 2. Last evaluated: 2025-08-04. Review status: criteria provided, single submitter. Criteria: Invitae Variant Classification Sherloc (09022015). Collection method: clinical testing. Allele origin: germline.
Comment: This sequence change falls in intron 37 of the TSC2 gene. It does not directly change the encoded amino acid sequence of the TSC2 protein. It affects a nucleotide within the consensus splice site. This variant is not present in population databases (gnomAD no frequency). This variant has not been reported in the literature in individuals affected with TSC2-related conditions. Variants that disrupt the consensus splice site are a relatively common cause of aberrant splicing (PMID: 17576681, 9536098). Algorithms developed to predict the effect of sequence changes on RNA splicing suggest that this variant is not likely to affect RNA splicing. In summary, the available evidence is currently insufficient to determine the role of this variant in disease. Therefore, it has been classified as a Variant of Uncertain Significance.

Literature cited by the submitters: PubMed 17576681; PubMed 9536098.